The following is an entry in ClinVar:

ClinVar aggregate classification (germline): Pathogenic/Likely pathogenic. Review status: criteria provided, multiple submitters, no conflicts (2 of 4 stars). 3 submissions from 3 submitters: Pathogenic (2); Likely pathogenic (1). Last evaluated 2025-07-29.

Conditions:
Hereditary cancer-predisposing syndrome. Also called: Neoplastic Syndromes, Hereditary; Hereditary Cancer Syndrome; Hereditary neoplastic syndrome; Tumor predisposition. Identifiers: Orphanet 140162, MedGen C0027672, MeSH D009386, MONDO:0015356.
Familial cancer of breast. Also called: hereditary breast carcinoma; BREAST CANCER, FAMILIAL; Hereditary breast cancer. Identifiers: Orphanet 227535, MedGen C0346153, MONDO:0016419, OMIM 114480. Disease mechanism: loss of function.

Submissions (3):

Ambry Genetics
Classification: Pathogenic for Hereditary cancer-predisposing syndrome. Last evaluated: 2025-07-29. Review status: criteria provided, single submitter. Criteria: Ambry Variant Classification Scheme 2023. Collection method: clinical testing. Allele origin: germline.
Comment: The c.1342delA pathogenic mutation, located in coding exon 4 of the PALB2 gene, results from a deletion of one nucleotide at nucleotide position 1342, causing a translational frameshift with a predicted alternate stop codon (p.S448Vfs*4). This variant is considered to be rare based on population cohorts in the Genome Aggregation Database (gnomAD). This alteration is expected to result in loss of function by premature protein truncation or nonsense-mediated mRNA decay. As such, this alteration is interpreted as a disease-causing mutation.

Quest Diagnostics Nichols Institute San Juan Capistrano
Classification: Likely pathogenic. Last evaluated: 2025-03-26. Review status: criteria provided, single submitter. Criteria: Quest Diagnostics criteria. Collection method: clinical testing. Allele origin: unknown.
Comment: The PALB2 c.1342del (p.Ser448Valfs*4) variant alters the translational reading frame of the PALB2 mRNA and is predicted to cause the premature termination of PALB2 protein synthesis. This variant has not been reported in individuals with PALB2-related conditions in the published literature. This variant has not been reported in large, multi-ethnic general populations (Genome Aggregation Database). Based on the available information, this variant is classified as likely pathogenic.

Labcorp Genetics (formerly Invitae), Labcorp
Classification: Pathogenic for Familial cancer of breast. Last evaluated: 2022-03-13. Review status: criteria provided, single submitter. Criteria: Invitae Variant Classification Sherloc (09022015). Collection method: clinical testing. Allele origin: germline.
Comment: This sequence change creates a premature translational stop signal (p.Ser448Valfs*4) in the PALB2 gene. It is expected to result in an absent or disrupted protein product. Loss-of-function variants in PALB2 are known to be pathogenic (PMID: 17200668, 17200671, 17200672, 24136930, 25099575). This variant is not present in population databases (gnomAD no frequency). This variant has not been reported in the literature in individuals affected with PALB2-related conditions. For these reasons, this variant has been classified as Pathogenic.

Literature cited by the submitters: PubMed 17200668 (cited by Labcorp Genetics (formerly Invitae), Labcorp); PubMed 17200671 (cited by Labcorp Genetics (formerly Invitae), Labcorp); PubMed 17200672 (cited by Labcorp Genetics (formerly Invitae), Labcorp); PubMed 24136930 (cited by Labcorp Genetics (formerly Invitae), Labcorp); PubMed 25099575 (cited by Labcorp Genetics (formerly Invitae), Labcorp).

NM_024675.4(PALB2):c.1342del (p.Ser448fs)

Gene: PALB2 (partner and localizer of BRCA2; minus strand). Cytogenetic location: 16p12.2.
Variant type: Deletion.
Coding change: c.1342del on transcript NM_024675.4 (MANE Select); coding-DNA position 1342, one base deleted (A; older notation c.1342delA).
Protein change: p.Ser448fs; shifts the reading frame from serine 448.
Molecular consequence: frameshift variant.
Genome position (GRCh38, 1-based): chr16:23,635,204, T deleted on the plus strand (A on the coding strand, the reverse complement: PALB2 is on the minus strand); the first of 2 consecutive T bases (chr16:23,635,204-23,635,205); deleting either gives the same sequence. VCF-style (leftmost placement, unchanged base first): chr16-23635203-CT-C. GRCh37 (hg19) VCF-style: chr16-23646524-CT-C.
Other names: c.1342delA (NM_024675.3); c.1342del (NM_024675.3); c.1281delA, p.Ser428Valfs (NM_001407296.1); c.1341delA, p.Ser448Valfs (NM_001407297.1, NM_001407298.1, NM_001407299.1 and 4 more transcripts); c.456delA, p.Ser153Valfs (NM_001407304.1, NM_001407305.1, NM_001407306.1 and 5 more transcripts); short protein forms S448fs.
Identifiers: ClinVar variation 2111077 (VCV002111077.6), dbSNP rs2506480988, ClinGen allele CA2580091290.
Genomic context (GRCh38, chr16:23,635,203, plus strand): 5'-GTGCCAGACATCCTAATTTCACTTTGGTCAGTTTCCTCATTGGAAAGGTTTAAATTTTTA[CT>C]TGCATCCTTATTTTTATTTTTAAACCCTTTTTTCTTGACATCCAAATGACTCTGAATGAC-3'